The following is an entry in ClinVar:

ClinVar aggregate classification (germline): Pathogenic/Likely pathogenic. Review status: criteria provided, multiple submitters, no conflicts (2 of 4 stars). 3 submissions from 3 submitters: Pathogenic (1); Likely pathogenic (2). Last evaluated 2023-07-13.

Conditions:
Developmental and epileptic encephalopathy, 18 (DEE18). Also called: Early infantile epileptic encephalopathy 18. Identifiers: Orphanet 369894, MedGen C3809624, MONDO:0014201, OMIM 615476.
SZT2-related disorder. Also called: SZT2-related condition.

Allele frequency attached by ClinVar (database versions not stated): TOPMed 0.00001.
gnomAD v4.1: 7 of 1,613,986 alleles (0.00043%); highest among the groups gnomAD compares: East Asian, 0.0022%; no homozygotes.

Submissions (3):

PreventionGenetics, part of Exact Sciences
Classification: Likely pathogenic for SZT2-related condition. Last evaluated: 2023-07-13. Review status: criteria provided, single submitter. Criteria: ACMG Guidelines, 2015. Collection method: clinical testing. Allele origin: germline.
Comment: The SZT2 c.5968C>T variant is predicted to result in premature protein termination (p.Arg1990*). To out knowledge this variant has not been reported in the literature or in a large population database, indicating this variant is rare. Nonsense variants in SZT2 are expected to be pathogenic. This variant is interpreted as likely pathogenic.

Genome-Nilou Lab
Classification: Likely pathogenic for Developmental and epileptic encephalopathy, 18. Last evaluated: 2023-04-11. Review status: criteria provided, single submitter. Criteria: ACMG Guidelines, 2015. Collection method: clinical testing. Allele origin: germline. Affected: no.

Labcorp Genetics (formerly Invitae), Labcorp
Classification: Pathogenic. Last evaluated: 2022-08-23. Review status: criteria provided, single submitter. Criteria: Invitae Variant Classification Sherloc (09022015). Collection method: clinical testing. Allele origin: germline.
Comment: This variant is not present in population databases (gnomAD no frequency). This sequence change creates a premature translational stop signal (p.Arg1990*) in the SZT2 gene. It is expected to result in an absent or disrupted protein product. Loss-of-function variants in SZT2 are known to be pathogenic (PMID: 23932106, 27248490, 28556953). This variant has not been reported in the literature in individuals affected with SZT2-related conditions. For these reasons, this variant has been classified as Pathogenic. Algorithms developed to predict the effect of sequence changes on RNA splicing suggest that this variant may disrupt the consensus splice site. ClinVar contains an entry for this variant (Variation ID: 1375694).

Literature cited by the submitters: PubMed 23932106 (cited by Labcorp Genetics (formerly Invitae), Labcorp); PubMed 27248490 (cited by Labcorp Genetics (formerly Invitae), Labcorp); PubMed 28556953 (cited by Labcorp Genetics (formerly Invitae), Labcorp).

NM_001365999.1(SZT2):c.6139C>T (p.Arg2047Ter)

Gene: SZT2 (SZT2 subunit of KICSTOR complex; plus strand). Cytogenetic location: 1p34.2.
Variant type: single nucleotide variant.
Coding change: c.6139C>T on transcript NM_001365999.1 (MANE Select); coding-DNA position 6139, C replaced by T.
Protein change: p.Arg2047Ter; replaces arginine 2047 with a stop codon.
Molecular consequence: nonsense.
Genome position (GRCh38, 1-based): chr1:43,437,275, C>T. VCF-style: chr1-43437275-C-T. GRCh37 (hg19) VCF-style: chr1-43902946-C-T.
Other names: c.5968C>T, p.Arg1990Ter (NM_015284.4); c.5968C>T (NM_015284.3); short protein forms R2047*, R1990*.
Identifiers: ClinVar variation 1375694 (VCV001375694.7), dbSNP rs766341332, ClinGen allele CA21643105.